The following is an entry in ClinVar:

ClinVar aggregate classification (germline): Uncertain significance (1 of 4 stars; one submission).

Allele frequency attached by ClinVar (database versions not stated): gnomAD exomes below 0.00001.
gnomAD v4.1: 1 of 1,609,626 alleles (0.000062%); highest among the groups gnomAD compares: Non-Finnish European, 0.000085%; no homozygotes.

Submission:

Ambry Genetics
Classification: Uncertain significance. Last evaluated: 2022-01-16. Review status: criteria provided, single submitter. Criteria: Ambry Variant Classification Scheme 2023. Collection method: clinical testing. Allele origin: germline.
Comment: The p.S1683L variant (also known as c.5048C>T), located in coding exon 16 of the POLQ gene, results from a C to T substitution at nucleotide position 5048. The serine at codon 1683 is replaced by leucine, an amino acid with dissimilar properties. This amino acid position is conserved. In addition, this alteration is predicted to be tolerated by in silico analysis. Since supporting evidence is limited at this time, the clinical significance of this alteration remains unclear.

NM_199420.4(POLQ):c.5048C>T (p.Ser1683Leu)

Gene: POLQ (DNA polymerase theta; minus strand). Cytogenetic location: 3q13.33.
Variant type: single nucleotide variant.
Coding change: c.5048C>T on transcript NM_199420.4 (MANE Select); coding-DNA position 5048, C replaced by T.
Protein change: p.Ser1683Leu; replaces serine 1683 with leucine.
Molecular consequence: missense variant.
Genome position (GRCh38, 1-based): chr3:121,487,883, G>A on the plus strand (C>T on the coding strand, the complement: POLQ is on the minus strand). VCF-style: chr3-121487883-G-A. GRCh37 (hg19) VCF-style: chr3-121206730-G-A.
Other names: short protein forms S1683L.
Identifiers: ClinVar variation 1744985 (VCV001744985.2), dbSNP rs2546785193, ClinGen allele CA354092211.